The following is an entry in ClinVar:

NM_015046.7(SETX):c.5271A>G (p.Glu1757=)

Gene: SETX (senataxin; minus strand). Cytogenetic location: 9q34.13.
Variant type: single nucleotide variant.
Coding change: c.5271A>G on transcript NM_015046.7 (MANE Select); coding-DNA position 5271, A replaced by G.
Protein change: p.Glu1757=; no amino-acid change (glutamic acid 1757 retained).
Molecular consequence: synonymous variant.
Genome position (GRCh38, 1-based): chr9:132,326,327, T>C on the plus strand (A>G on the coding strand, the complement: SETX is on the minus strand). VCF-style: chr9-132326327-T-C. GRCh37 (hg19) VCF-style: chr9-135201714-T-C.
Other names: p.Glu1757=; c.5271A>G, p.Glu1757= (NM_001351528.2, NM_001351527.2).
Identifiers: ClinVar variation 913958 (VCV000913958.28), dbSNP rs200499115, ClinGen allele CA5297048.

ClinVar aggregate classification (germline): Conflicting classifications of pathogenicity. Review status: criteria provided, conflicting classifications (1 of 4 stars). 11 submissions from 10 submitters: Uncertain significance (2); Benign (1); Likely benign (5). 3 of the submissions do not count toward it. Last evaluated 2025-12-01.

Conditions:
Amyotrophic lateral sclerosis type 4 (ALS4). Also called: AMYOTROPHIC LATERAL SCLEROSIS 4, JUVENILE; NEURONOPATHY, DISTAL HEREDITARY MOTOR, WITH PYRAMIDAL FEATURES. Identifiers: Orphanet 357043, MedGen C1865409, MONDO:0011223, OMIM 602433.
Spinocerebellar ataxia, autosomal recessive, with axonal neuropathy 2 (SCAN2). Also called: Ataxia with Oculomotor Apraxia Type 2; ATAXIA-OCULOMOTOR APRAXIA 2; Ataxia with Oculomotor Apraxia; Ataxia-ocular apraxia-2. Identifiers: Orphanet 64753, MedGen C1853761, MONDO:0018996, OMIM 606002.
SETX-related disorder. Also called: SETX-related condition; SETX-related disorders. Identifiers: MedGen CN239403.
Hereditary spastic paraplegia. Also called: Familial spastic paraparesis. Identifiers: Orphanet 685, MedGen C0037773, MONDO:0019064. Disease mechanism: loss of function.

Allele frequency attached by ClinVar (database versions not stated): gnomAD 0.00008 and 0.00010; TOPMed 0.00011; 1000 Genomes Project 30x 0.00016; gnomAD exomes 0.00027 and 0.00031; ExAC 0.00036.
gnomAD v4.1: 398 of 1,596,712 alleles (0.025%); highest among the groups gnomAD compares: South Asian, 0.14%; 1 homozygote.

Submissions (11):

CeGaT Center for Human Genetics Tuebingen
Classification: Likely benign. Last evaluated: 2025-12-01. Review status: criteria provided, single submitter. Criteria: CeGaT Center For Human Genetics Tuebingen Variant Classification Criteria Version 2. Collection method: clinical testing. Allele origin: germline. Affected: yes. Observed: 1 variant allele.
Comment: SETX: BP4

Labcorp Genetics (formerly Invitae), Labcorp
Classification: Likely benign for Amyotrophic lateral sclerosis type 4; Spinocerebellar ataxia, autosomal recessive, with axonal neuropathy 2. Last evaluated: 2025-10-19. Review status: criteria provided, single submitter. Criteria: Invitae Variant Classification Sherloc (09022015). Collection method: clinical testing. Allele origin: germline.

Athena Diagnostics
Classification: Benign. Last evaluated: 2025-08-11. Review status: criteria provided, single submitter. Criteria: Athena Diagnostics Criteria. Collection method: clinical testing. Allele origin: unknown.
Comment: The frequency of this variant in the general population is higher than would generally be expected for pathogenic variants in this gene. Computational tools yielded predictions that this variant is unlikely to have an effect on normal RNA splicing.

Blueprint Genetics
Classification: Likely benign. Last evaluated: 2024-11-22. Review status: criteria provided, single submitter. Criteria: ACMG Guidelines, 2015. Collection method: clinical testing. Allele origin: germline.

Mayo Clinic Laboratories, Mayo Clinic
Classification: Likely benign. Last evaluated: 2024-10-14. Review status: criteria provided, single submitter. Criteria: ACMG Guidelines, 2015. Collection method: clinical testing. Allele origin: germline. Observed: 2 variant alleles.
Comment: BP4, BP7

Genome Diagnostics Laboratory, The Hospital for Sick Children
Classification: Uncertain significance for Hereditary spastic paraplegia. Last evaluated: 2021-02-12. Review status: criteria provided, single submitter. Criteria: ACMG Guidelines, 2015. Collection method: clinical testing. Allele origin: germline. Affected: yes.

Illumina Laboratory Services, Illumina
Classification: Uncertain significance for Spinocerebellar ataxia, autosomal recessive, with axonal neuropathy 2. Last evaluated: 2018-01-12. Review status: criteria provided, single submitter. Criteria: ICSL Variant Classification Criteria 13 December 2019. Collection method: clinical testing. Allele origin: germline.

Illumina Laboratory Services, Illumina
Classification: Likely benign for Amyotrophic lateral sclerosis type 4. Last evaluated: 2018-01-12. Review status: criteria provided, single submitter. Criteria: ICSL Variant Classification Criteria 13 December 2019. Collection method: clinical testing. Allele origin: germline.
Comment: This variant was observed in the ICSL laboratory as part of a predisposition screen in an ostensibly healthy population. It had not been previously curated by ICSL or reported in the Human Gene Mutation Database (HGMD: prior to June 1st, 2018), and was therefore a candidate for classification through an automated scoring system. Utilizing variant allele frequency, disease prevalence and penetrance estimates, and inheritance mode, an automated score was calculated to assess if this variant is too frequent to cause the disease. Based on the score and internal cut-off values, a variant classified as likely benign is not then subjected to further curation. The score for this variant resulted in a classification of likely benign for this disease.

PreventionGenetics, part of Exact Sciences
Classification: Likely benign for SETX-related condition. Last evaluated: 2019-04-19. Review status: no assertion criteria provided. Collection method: clinical testing. Allele origin: germline. Not counted in ClinVar's aggregate classification.
Comment: This variant is classified as likely benign based on ACMG/AMP sequence variant interpretation guidelines (Richards et al. 2015 PMID: 25741868, with internal and published modifications).

Clinical Genetics DNA and cytogenetics Diagnostics Lab, Erasmus MC, Erasmus Medical Center
Classification: Likely benign. Review status: no assertion criteria provided. Collection method: clinical testing. Allele origin: germline. Affected: yes. Study: VKGL Data-share Consensus. Not counted in ClinVar's aggregate classification.

Clinical Genetics, Academic Medical Center
Classification: Likely benign. Review status: no assertion criteria provided. Collection method: clinical testing. Allele origin: germline. Affected: yes. Study: VKGL Data-share Consensus. Not counted in ClinVar's aggregate classification.

Literature cited by the submitters: PubMed 23881933 (cited by Athena Diagnostics).